The following is an entry in ClinVar:

NC_000019.9:g.(?_589946)_(4818389_?)dup

Genes: LMNB2 (lamin B2; minus strand), LRG1 (leucine rich alpha-2-glycoprotein 1; minus strand), LSM7 (LSM7 homolog, U6 small nuclear RNA and mRNA degradation associated; minus strand), MIDN (midnolin; plus strand), MIR1909 (microRNA 1909; minus strand) and 135 more. Cytogenetic location: 19p13.3.
Variant type: Duplication.
Identifiers: ClinVar variation 2423454 (VCV002423454.5).

ClinVar aggregate classification (germline): Uncertain significance (1 of 4 stars; one submission).

Submission:

Labcorp Genetics (formerly Invitae), Labcorp
Classification: Uncertain significance. Last evaluated: 2021-07-19. Review status: criteria provided, single submitter. Criteria: Invitae Variant Classification Sherloc (09022015). Collection method: clinical testing. Allele origin: germline.
Comment: In summary, the available evidence is currently insufficient to determine the role of this variant in disease. Therefore, it has been classified as a Variant of Uncertain Significance. This variant has not been reported in the literature in individuals affected with ATP5D-related conditions. A copy number gain of the genomic region encompassing the full coding sequence of the ATP5D gene has been identified. The boundaries of this event are unknown as they extend beyond the assayed region for this gene and therefore may encompass additional genes. As the precise location of this event is unknown, it may be in tandem or it may be located elsewhere in the genome.